The following is an entry in ClinVar:

NM_153460.4(IL17RC):c.617G>C (p.Cys206Ser)

Gene: IL17RC (interleukin 17 receptor C; plus strand). Cytogenetic location: 3p25.3.
Variant type: single nucleotide variant.
Coding change: c.617G>C on transcript NM_153460.4 (MANE Select); coding-DNA position 617, G replaced by C.
Protein change: p.Cys206Ser; replaces cysteine 206 with serine.
Molecular consequence: missense variant. On other transcripts: intron variant (4).
Genome position (GRCh38, 1-based): chr3:9,920,964, G>C. VCF-style: chr3-9920964-G-C. GRCh37 (hg19) VCF-style: chr3-9962648-G-C.
Other names: c.617G>C, p.Cys206Ser (NM_001203263.2, NM_001203264.2, NM_001367278.1); c.830G>C, p.Cys277Ser (NM_153461.4); c.577+362G>C (NM_032732.6, NM_001367280.1, NM_001203265.2); c.502+362G>C (NM_001367279.1); short protein forms C277S, C206S.
Identifiers: ClinVar variation 652552 (VCV000652552.5), dbSNP rs756078603, ClinGen allele CA2246889.

ClinVar aggregate classification (germline): Uncertain significance (1 of 4 stars; one submission).

Conditions:
Candidiasis, familial, 9 (CANDF9). Identifiers: Orphanet 1334, MedGen C4225324, MONDO:0014642, OMIM 616445.

Allele frequency attached by ClinVar (database versions not stated): gnomAD exomes 0.00001; ExAC 0.00002; TOPMed 0.00002; gnomAD 0.00003.
gnomAD v4.1: 29 of 1,593,464 alleles (0.0018%); highest among the groups gnomAD compares: Non-Finnish European, 0.0022%; no homozygotes.

Submission:

Labcorp Genetics (formerly Invitae), Labcorp
Classification: Uncertain significance for Candidiasis, familial, 9. Last evaluated: 2022-04-03. Review status: criteria provided, single submitter. Criteria: Invitae Variant Classification Sherloc (09022015). Collection method: clinical testing. Allele origin: germline.
Comment: This sequence change replaces cysteine, which is neutral and slightly polar, with serine, which is neutral and polar, at codon 277 of the IL17RC protein (p.Cys277Ser). This variant is present in population databases (rs756078603, gnomAD 0.002%). This variant has not been reported in the literature in individuals affected with IL17RC-related conditions. ClinVar contains an entry for this variant (Variation ID: 652552). Algorithms developed to predict the effect of missense changes on protein structure and function are either unavailable or do not agree on the potential impact of this missense change (SIFT: "Deleterious"; PolyPhen-2: "Probably Damaging"; Align-GVGD: "Class C0"). In summary, the available evidence is currently insufficient to determine the role of this variant in disease. Therefore, it has been classified as a Variant of Uncertain Significance.